The following is an entry in ClinVar:

NM_005097.4(LGI1):c.215+9C>G

Gene: LGI1 (leucine rich glioma inactivated 1; plus strand). Cytogenetic location: 10q23.33.
Variant type: single nucleotide variant.
Coding change: c.215+9C>G on transcript NM_005097.4 (MANE Select); 9 bases into the intron after coding-DNA position 215, C replaced by G.
Molecular consequence: intron variant. On other transcripts: non-coding transcript variant (1).
Genome position (GRCh38, 1-based): chr10:93,758,368, C>G. VCF-style: chr10-93758368-C-G. GRCh37 (hg19) VCF-style: chr10-95518125-C-G.
Other names: c.215+9C>G (NM_001308275.2, NM_001308276.2).
Identifiers: ClinVar variation 3724605 (VCV003724605.2).

ClinVar aggregate classification (germline): Uncertain significance (1 of 4 stars; one submission).

Conditions:
Autosomal dominant epilepsy with auditory features. Identifiers: Orphanet 101046, MedGen C1838062, MONDO:0010898.

gnomAD v4.1: 1 of 1,612,038 alleles (0.000062%); highest among the groups gnomAD compares: Non-Finnish European, 0.000085%; no homozygotes.

Submission:

Labcorp Genetics (formerly Invitae), Labcorp
Classification: Uncertain significance for Autosomal dominant epilepsy with auditory features. Last evaluated: 2024-11-12. Review status: criteria provided, single submitter. Criteria: Invitae Variant Classification Sherloc (09022015). Collection method: clinical testing. Allele origin: germline.
Comment: This sequence change falls in intron 1 of the LGI1 gene. It does not directly change the encoded amino acid sequence of the LGI1 protein. This variant is not present in population databases (gnomAD no frequency). This variant has not been reported in the literature in individuals affected with LGI1-related conditions. Algorithms developed to predict the effect of sequence changes on RNA splicing suggest that this variant may create or strengthen a splice site. In summary, the available evidence is currently insufficient to determine the role of this variant in disease. Therefore, it has been classified as a Variant of Uncertain Significance.